The following is an entry in ClinVar:

ClinVar aggregate classification (germline): Uncertain significance (1 of 4 stars; one submission).

Conditions:
Hypertrophic cardiomyopathy. Also called: HYPERTROPHIC MYOCARDIOPATHY. Identifiers: Orphanet 217569, MedGen C0007194, MeSH D002312, MONDO:0005045, HP:0001639.

gnomAD v4.1: 1 of 1,611,562 alleles (0.000062%); highest among the groups gnomAD compares: Non-Finnish European, 0.000085%; no homozygotes.

Submission:

Labcorp Genetics (formerly Invitae), Labcorp
Classification: Uncertain significance for Hypertrophic cardiomyopathy. Last evaluated: 2023-10-04. Review status: criteria provided, single submitter. Criteria: Invitae Variant Classification Sherloc (09022015). Collection method: clinical testing. Allele origin: germline.
Comment: This sequence change replaces glycine, which is neutral and non-polar, with arginine, which is basic and polar, at codon 416 of the MYBPC3 protein (p.Gly416Arg). The frequency data for this variant in the population databases is considered unreliable, as metrics indicate poor data quality at this position in the gnomAD database. This variant has not been reported in the literature in individuals affected with MYBPC3-related conditions. ClinVar contains an entry for this variant (Variation ID: 2051932). An algorithm developed to predict the effect of missense changes on protein structure and function (PolyPhen-2) suggests that this variant is likely to be disruptive. In summary, the available evidence is currently insufficient to determine the role of this variant in disease. Therefore, it has been classified as a Variant of Uncertain Significance.

NM_000256.3(MYBPC3):c.1246G>C (p.Gly416Arg)

Gene: MYBPC3 (myosin binding protein C3; minus strand). Cytogenetic location: 11p11.2.
Variant type: single nucleotide variant.
Coding change: c.1246G>C on transcript NM_000256.3 (MANE Select); coding-DNA position 1246, G replaced by C.
Protein change: p.Gly416Arg; replaces glycine 416 with arginine.
Molecular consequence: missense variant.
Genome position (GRCh38, 1-based): chr11:47,343,126, C>G on the plus strand (G>C on the coding strand, the complement: MYBPC3 is on the minus strand). VCF-style: chr11-47343126-C-G. GRCh37 (hg19) VCF-style: chr11-47364677-C-G.
Other names: short protein forms G416R.
Identifiers: ClinVar variation 2051932 (VCV002051932.4), dbSNP rs371513491, ClinGen allele CA380327661.